The following is an entry in ClinVar:

NM_003823.4(TNFRSF6B):c.198C>G (p.Ser66Arg)

Genes: TNFRSF6B (TNF receptor superfamily member 6b; plus strand), RTEL1-TNFRSF6B (RTEL1-TNFRSF6B readthrough (NMD candidate); plus strand). Cytogenetic location: 20q13.33.
Variant type: single nucleotide variant.
Coding change: c.198C>G on transcript NM_003823.4 (MANE Select); coding-DNA position 198, C replaced by G.
Protein change: p.Ser66Arg; replaces serine 66 with arginine.
Molecular consequence: missense variant. On other transcripts: non-coding transcript variant (1).
Genome position (GRCh38, 1-based): chr20:63,696,965, C>G. VCF-style: chr20-63696965-C-G. GRCh37 (hg19) VCF-style: chr20-62328318-C-G.
Other names: short protein forms S66R.
Identifiers: ClinVar variation 4777249 (VCV004777249.1).

ClinVar aggregate classification (germline): Uncertain significance (1 of 4 stars; one submission).

Submission:

Labcorp Genetics (formerly Invitae), Labcorp
Classification: Uncertain significance. Last evaluated: 2025-11-08. Review status: criteria provided, single submitter. Criteria: Invitae Variant Classification Sherloc (09022015). Collection method: clinical testing. Allele origin: germline.
Comment: This sequence change replaces serine, which is neutral and polar, with arginine, which is basic and polar, at codon 66 of the TNFRSF6B protein (p.Ser66Arg). This variant is not present in population databases (gnomAD no frequency). This variant has not been reported in the literature in individuals affected with TNFRSF6B-related conditions. An algorithm developed to predict the effect of missense changes on protein structure and function outputs the following: PolyPhen-2: "Benign". The arginine amino acid residue is found in multiple mammalian species, which suggests that this missense change does not adversely affect protein function. In summary, the available evidence is currently insufficient to determine the role of this variant in disease. Therefore, it has been classified as a Variant of Uncertain Significance.